The following is an entry in ClinVar:

ClinVar aggregate classification (germline): Uncertain significance. Review status: criteria provided, multiple submitters, no conflicts (2 of 4 stars). 2 submissions from 2 submitters: Uncertain significance (2). Last evaluated 2024-10-25.

Allele frequency attached by ClinVar (database versions not stated): gnomAD 0.00007; ESP Exome Variant Server 0.00015.
gnomAD v4.1: 49 of 1,613,086 alleles (0.003%); highest among the groups gnomAD compares: African/African-American, 0.02%; no homozygotes.

Submissions (2):

Ambry Genetics
Classification: Uncertain significance. Last evaluated: 2024-10-25. Review status: criteria provided, single submitter. Criteria: Ambry Variant Classification Scheme 2023. Collection method: clinical testing. Allele origin: germline.

Labcorp Genetics (formerly Invitae), Labcorp
Classification: Uncertain significance. Last evaluated: 2022-08-16. Review status: criteria provided, single submitter. Criteria: Invitae Variant Classification Sherloc (09022015). Collection method: clinical testing. Allele origin: germline.
Comment: This sequence change replaces proline, which is neutral and non-polar, with leucine, which is neutral and non-polar, at codon 601 of the ADD3 protein (p.Pro601Leu). This variant is present in population databases (rs139595633, gnomAD 0.02%). This variant has not been reported in the literature in individuals affected with ADD3-related conditions. Algorithms developed to predict the effect of missense changes on protein structure and function are either unavailable or do not agree on the potential impact of this missense change (SIFT: "Not Available"; PolyPhen-2: "Benign"; Align-GVGD: "Not Available"). In summary, the available evidence is currently insufficient to determine the role of this variant in disease. Therefore, it has been classified as a Variant of Uncertain Significance.

NM_016824.5(ADD3):c.1802C>T (p.Pro601Leu)

Gene: ADD3 (adducin 3; plus strand). Cytogenetic location: 10q25.2.
Variant type: single nucleotide variant.
Coding change: c.1802C>T on transcript NM_016824.5 (MANE Select); coding-DNA position 1802, C replaced by T.
Protein change: p.Pro601Leu; replaces proline 601 with leucine.
Molecular consequence: missense variant. On other transcripts: intron variant (2).
Genome position (GRCh38, 1-based): chr10:110,132,374, C>T. VCF-style: chr10-110132374-C-T. GRCh37 (hg19) VCF-style: chr10-111892132-C-T.
Other names: c.1802C>T, p.Pro601Leu (NM_001320591.2, NM_001320592.2, NM_001320593.2); c.1568C>T, p.Pro523Leu (NM_001320594.2); c.1733-952C>T (NM_019903.5, NM_001121.4); c.1802C>T (NM_016824.3); short protein forms P523L, P601L.
Identifiers: ClinVar variation 2177683 (VCV002177683.2), dbSNP rs139595633, ClinGen allele CA5686730.